The following is an entry in ClinVar:

NM_016507.4(CDK12):c.3910C>G (p.Leu1304Val)

Gene: CDK12 (cyclin dependent kinase 12; plus strand). Cytogenetic location: 17q12.
Variant type: single nucleotide variant.
Coding change: c.3910C>G on transcript NM_016507.4 (MANE Select); coding-DNA position 3910, C replaced by G.
Protein change: p.Leu1304Val; replaces leucine 1304 with valine.
Molecular consequence: missense variant.
Genome position (GRCh38, 1-based): chr17:39,530,753, C>G. VCF-style: chr17-39530753-C-G. GRCh37 (hg19) VCF-style: chr17-37687006-C-G.
Other names: c.3883C>G, p.Leu1295Val (NM_015083.4); short protein forms L1295V, L1304V.
Identifiers: ClinVar variation 4651423 (VCV004651423.1).
Genomic context (GRCh38, chr17:39,530,753, plus strand): 5'-GGCGATCTTTCCAGCGCCCCCCAGGAGTTGAACCCAGCCGTGACAGCCGCCTTGCTGCAA[C>G]TTTTATCCCAGCCTGAAGCAGAGCCTCCTGGCCACCTGCCACATGAGCACCAGGCCTTGA-3'
Protein context (NP_057591.2, residues 1294-1314): NPAVTAALLQ[Leu1304Val]LSQPEAEPPG

ClinVar aggregate classification (germline): Uncertain significance (1 of 4 stars; one submission).

Submission:

Ambry Genetics
Classification: Uncertain significance. Last evaluated: 2025-11-02. Review status: criteria provided, single submitter. Criteria: Ambry Variant Classification Scheme 2023. Collection method: clinical testing. Allele origin: germline.
Comment: The p.L1304V variant (also known as c.3910C>G), located in coding exon 14 of the CDK12 gene, results from a C to G substitution at nucleotide position 3910. The leucine at codon 1304 is replaced by valine, an amino acid with highly similar properties. This amino acid position is conserved. In addition, the in silico prediction for this alteration is inconclusive. Based on the available evidence, the clinical significance of this variant remains unclear.